The following is an entry in ClinVar:

ClinVar aggregate classification (germline): Uncertain significance. Review status: criteria provided, multiple submitters, no conflicts (2 of 4 stars). 3 submissions from 3 submitters: Uncertain significance (3). Last evaluated 2026-02-17.

Conditions:
Hypercholesterolemia, autosomal dominant, 3 (FHCL3). Also called: Familial Hypercholesterolemia, Autosomal Dominant, 3; Familial hypercholesterolemia 3; PCSK9-Related Familial Hypercholesterolemia, Autosomal Dominant. Identifiers: MedGen C1863551, MONDO:0011369, OMIM 603776.
Cardiovascular phenotype. Identifiers: MedGen CN230736.
Familial hypercholesterolemia. Also called: Familial hypercholesterolaemia; Familial hypercholesterolemias. Identifiers: MedGen C0020445, MONDO:0005439.

Allele frequency attached by ClinVar (database versions not stated): ESP Exome Variant Server 0.00008; 1000 Genomes Project 30x 0.00016; 1000 Genomes Project 0.00020.
gnomAD v4.1: 8 of 1,612,880 alleles (0.0005%); highest among the groups gnomAD compares: Middle Eastern, 0.033%; no homozygotes.

Submissions (3):

Ambry Genetics
Classification: Uncertain significance for Cardiovascular phenotype. Last evaluated: 2026-02-17. Review status: criteria provided, single submitter. Criteria: Ambry Variant Classification Scheme 2023. Collection method: clinical testing. Allele origin: germline.
Comment: The c.658-2A>G intronic variant results from an A to G substitution two nucleotides upstream from coding exon 5 in the PCSK9 gene. This nucleotide position is highly conserved in available vertebrate species. In silico splice site analysis predicts that this alteration will weaken the native splice acceptor site and may result in the creation or strengthening of a novel splice acceptor site. Variants that disrupt the canonical splice site are expected to cause aberrant splicing, resulting in an abnormal protein or a transcript that is subject to nonsense-mediated mRNA decay. However, loss of function has not been established as a mechanism of disease. Based on the available evidence, the clinical significance of this variant remains unclear.

Color Diagnostics, LLC DBA Color Health
Classification: Uncertain significance for Familial hypercholesterolemia. Last evaluated: 2025-06-24. Review status: criteria provided, single submitter. Criteria: ACMG Guidelines, 2015. Collection method: clinical testing. Allele origin: germline.
Comment: This variant causes an A to G nucleotide substitution at the -2 position of intron 4 of the PCSK9 gene. To our knowledge, functional studies have not been reported for this variant. This variant has not been reported in individuals affected with PCSK9-related disorders in the literature. This variant has been identified in 1/249160 chromosomes in the general population by the Genome Aggregation Database (gnomAD). The available evidence is insufficient to determine the role of this variant in disease conclusively. Therefore, this variant is classified as a Variant of Uncertain Significance.

All of Us Research Program, National Institutes of Health
Classification: Uncertain significance for Hypercholesterolemia, autosomal dominant, 3. Last evaluated: 2023-12-18. Review status: criteria provided, single submitter. Criteria: ACMG Guidelines, 2015. Collection method: clinical testing. Allele origin: germline. Inheritance: Autosomal dominant inheritance. Observed: 2 variant alleles, 2 heterozygotes.
Comment: This variant causes an A to G nucleotide substitution at the -2 position of intron 4 of the PCSK9 gene. To our knowledge, functional studies have not been reported for this variant. This variant has not been reported in individuals affected with PCSK9-related disorders in the literature. This variant has been identified in 1/249160 chromosomes in the general population by the Genome Aggregation Database (gnomAD). The available evidence is insufficient to determine the role of this variant in disease conclusively. Therefore, this variant is classified as a Variant of Uncertain Significance.

This study involves interpretation of variants in research participants for the purpose of population health screening. Participant phenotype was not available at the time of variant classification. Additional details can be found in publication PMID: 35346344, PMCID: PMC8962531

NM_174936.4(PCSK9):c.658-2A>G

Gene: PCSK9 (proprotein convertase subtilisin/kexin type 9; plus strand). Cytogenetic location: 1p32.3.
Variant type: single nucleotide variant.
Coding change: c.658-2A>G on transcript NM_174936.4 (MANE Select); the canonical splice acceptor site of the intron before coding-DNA position 658, A replaced by G.
Molecular consequence: splice acceptor variant. On other transcripts: missense variant (1).
Genome position (GRCh38, 1-based): chr1:55,052,648, A>G. VCF-style: chr1-55052648-A-G. GRCh37 (hg19) VCF-style: chr1-55518321-A-G.
Other names: c.658-2A>G (NM_174936.3, NM_001407241.1, NM_001407244.1 and 1 more transcripts); c.659A>G, p.Gln220Arg (NM_001407242.1); c.283-2A>G (NM_001407246.1); c.781-2A>G (NM_001407240.1); c.601-2A>G (NM_001407243.1); c.466-2A>G (NM_001407245.1); short protein forms Q220R.
Identifiers: ClinVar variation 3071824 (VCV003071824.3), dbSNP rs371336612, ClinGen allele CA043832.